The following is an entry in ClinVar:

NM_001035.3(RYR2):c.-63G>T

Gene: RYR2 (ryanodine receptor 2; plus strand). Cytogenetic location: 1q43.
Variant type: single nucleotide variant.
Coding change: c.-63G>T on transcript NM_001035.3 (MANE Select); 63 bases upstream of the start codon, G replaced by T.
Molecular consequence: 5 prime UTR variant.
Genome position (GRCh38, 1-based): chr1:237,042,459, G>T. VCF-style: chr1-237042459-G-T. GRCh37 (hg19) VCF-style: chr1-237205759-G-T.
Other names: c.-63G>T (LRG_402t1).
Identifiers: ClinVar variation 296699 (VCV000296699.7), dbSNP rs578020342, ClinGen allele CA10609770.

ClinVar aggregate classification (germline): Conflicting classifications of pathogenicity. Review status: criteria provided, conflicting classifications (1 of 4 stars). 3 submissions from 2 submitters: Uncertain significance (1); Benign (2). Last evaluated 2018-01-13.

Conditions:
Arrhythmogenic right ventricular dysplasia 2. Identifiers: MedGen C1832931.
Catecholaminergic polymorphic ventricular tachycardia 1. Also called: VENTRICULAR TACHYCARDIA, CATECHOLAMINERGIC POLYMORPHIC, 1, WITH OR WITHOUT ATRIAL DYSFUNCTION AND/OR DILATED CARDIOMYOPATHY; VENTRICULAR TACHYCARDIA, STRESS-INDUCED POLYMORPHIC 1; RYR2-Related Catecholaminergic Polymorphic Ventricular Tachycardia. Identifiers: Orphanet 3286, MedGen C1631597, MONDO:0011484, OMIM 604772.

Allele frequency attached by ClinVar (database versions not stated): gnomAD 0.00024 and 0.00036; gnomAD exomes 0.00029; TOPMed 0.00032; 1000 Genomes Project 0.00060.
gnomAD v4.1: 377 of 1,209,774 alleles (0.031%); highest among the groups gnomAD compares: South Asian, 0.48%; no homozygotes.

Submissions (3):

Illumina Laboratory Services, Illumina
Classification: Uncertain significance for Catecholaminergic polymorphic ventricular tachycardia 1. Last evaluated: 2018-01-13. Review status: criteria provided, single submitter. Criteria: ICSL Variant Classification Criteria 13 December 2019. Collection method: clinical testing. Allele origin: germline.

Illumina Laboratory Services, Illumina
Classification: Benign for Catecholaminergic polymorphic ventricular tachycardia 1. Last evaluated: 2018-01-13. Review status: criteria provided, single submitter. Criteria: ICSL Variant Classification Criteria 13 December 2019. Collection method: clinical testing. Allele origin: germline.
Comment: This variant was observed in the ICSL laboratory as part of a predisposition screen in an ostensibly healthy population. It had not been previously curated by ICSL or reported in the Human Gene Mutation Database (HGMD: prior to June 1st, 2018), and was therefore a candidate for classification through an automated scoring system. Utilizing variant allele frequency, disease prevalence and penetrance estimates, and inheritance mode, an automated score was calculated to assess if this variant is too frequent to cause the disease. Based on the score and internal cut-off values, a variant classified as benign is not then subjected to further curation. The score for this variant resulted in a classification of benign for this disease.

GeneDx
Classification: Benign. Last evaluated: 2015-03-03. Review status: criteria provided, single submitter. Criteria: GeneDx Variant Classification Process June 2021. Collection method: clinical testing. Allele origin: germline. Affected: yes.